The following is an entry in ClinVar:

ClinVar aggregate classification (germline): Pathogenic. Review status: reviewed by expert panel (3 of 4 stars). 5 submissions from 5 submitters: Pathogenic (1). 4 of the submissions do not count toward it. Last evaluated 2026-05-01.

Conditions:
Autosomal recessive limb-girdle muscular dystrophy. Identifiers: Orphanet 102015, MedGen C2931907, MONDO:0015152.
Autosomal recessive limb-girdle muscular dystrophy type 2D (LGMDR3). Also called: MUSCULAR DYSTROPHY, LIMB-GIRDLE, AUTOSOMAL RECESSIVE 3; DUCHENNE-LIKE AUTOSOMAL RECESSIVE MUSCULAR DYSTROPHY, TYPE 2; ADHALINOPATHY, PRIMARY. Identifiers: Orphanet 62, MedGen C2936332, MONDO:0011968, OMIM 608099. Disease mechanism: Affects gamma-sarcoglycan and also disrupts the integrity of the entire sarcoglycan complex..

Allele frequency attached by ClinVar (database versions not stated): TOPMed below 0.00001; gnomAD exomes 0.00001.
gnomAD v4.1: 15 of 1,613,406 alleles (0.00093%); highest among the groups gnomAD compares: Non-Finnish European, 0.0011%; no homozygotes.

Submissions (5):

ClinGen Limb Girdle Muscular Dystrophy Variant Curation Expert Panel, ClinGen
Classification: Pathogenic for Autosomal recessive limb-girdle muscular dystrophy. Last evaluated: 2026-05-01. Review status: reviewed by expert panel. Criteria: ClinGen LGMD VCEP ACMG Specifications SGCA V2.0.0. Collection method: curation. Allele origin: germline. Inheritance: Autosomal recessive inheritance.
Comment: The NM_000023.4: c.269A>G variant in SGCA is a missense variant predicted to cause substitution of tyrosine by cysteine at amino acid 90, p.(Tyr90Cys). This variant has been detected in at least three individuals with limb-girdle muscular dystrophy (PMID: 12566530; LOVD Individual #00133346; GRASP-LGMD Consortium internal data communication). The third patient had the likely pathogenic variant c.614C>A p.(Pro205His) in unconfirmed phase (0.25 pts, GRASP-LGMD Consortium internal data communication) (PM3). At least one patient homozygous for this variant displayed progressive limb girdle muscle weakness and absent alpha-sarcoglycan protein expression, which is highly specific for SGCA-related LGMD (PP4_Strong; PMID: 12566530). The variant also segregated with autosomal recessive limb girdle muscular dystrophy in one affected family member (PP1; PMID: 12566530). The upper bound of the 95% confidence interval (95% CI) of the Grpmax variant allele frequency in gnomAD v4.1.1 is 0.0000175 (13/1179600 European (non-Finnish) alleles), which is lower than the LGMD VCEP threshold (<0.00009) for PM2_Supporting, and therefore meets this criterion. The computational predictor REVEL gives a score of 0.962, which is above the threshold of 0.7, evidence that correlates with impact to SGCA function (PP3). In summary, this variant meets the criteria to be classified as Pathogenic for autosomal recessive limb girdle muscular dystrophy based on the ACMG/AMP criteria applied, as specified by the ClinGen LGMD VCEP (LGMD VCEP specifications version 2.0.0; 05/01/2026): PM3, PP4_Strong, PP1, PM2_Supporting, PS3_Moderate, PP3.

Dasa
Classification: Likely pathogenic. Last evaluated: 2026-02-09. Review status: criteria provided, single submitter. Criteria: DASA Assertion Criteria. Collection method: clinical testing. Allele origin: germline. Not counted in ClinVar's aggregate classification.
Comment: NM_000023.4(SGCA):c.269A>G (p.Tyr90Cys) is a missense variant that results in the substitution of tyrosine with cysteine. The affected residue or protein region has prior evidence supporting clinical relevance. This variant has been reported in individuals with SGCA-related disorders (PMID: 12566530). Functional evidence supports an impact on the gene or gene product. Also, this variant is rare in population databases. Computational evidence supports a deleterious effect. Based on the currently available evidence, this variant is classified as likely pathogenic.

Labcorp Genetics (formerly Invitae), Labcorp
Classification: Likely pathogenic for Autosomal recessive limb-girdle muscular dystrophy type 2D. Last evaluated: 2026-01-27. Review status: criteria provided, single submitter. Criteria: Invitae Variant Classification Sherloc (09022015). Collection method: clinical testing. Allele origin: germline. Not counted in ClinVar's aggregate classification.
Comment: This sequence change replaces tyrosine, which is neutral and polar, with cysteine, which is neutral and slightly polar, at codon 90 of the SGCA protein (p.Tyr90Cys). This variant is present in population databases (no rsID available, gnomAD 0.0009%). This missense change has been observed in individual(s) with sarcoglycanopathy (PMID: 12566530). ClinVar contains an entry for this variant (Variation ID: 2429327). Invitae Evidence Modeling of protein sequence and biophysical properties (such as structural, functional, and spatial information, amino acid conservation, physicochemical variation, residue mobility, and thermodynamic stability) indicates that this missense variant is expected to disrupt SGCA protein function with a positive predictive value of 95%. Experimental studies have shown that this missense change affects SGCA function (PMID: 22095924). In summary, the currently available evidence indicates that the variant is pathogenic, but additional data are needed to prove that conclusively. Therefore, this variant has been classified as Likely Pathogenic.

GeneDx
Classification: Likely pathogenic. Last evaluated: 2023-11-27. Review status: criteria provided, single submitter. Criteria: GeneDx Variant Classification Process June 2021. Collection method: clinical testing. Allele origin: germline. Affected: yes. Not counted in ClinVar's aggregate classification.
Comment: Published functional studies demonstrate that this variant leads to loss of protein function (PMID: 22095924); In silico analysis supports that this missense variant has a deleterious effect on protein structure/function; Not observed at significant frequency in large population cohorts (gnomAD); This variant is associated with the following publications: (PMID: 19781108, 24742800, 12566530, 22095924)

Women's Health and Genetics/Laboratory Corporation of America, LabCorp
Classification: Likely pathogenic for Autosomal recessive limb-girdle muscular dystrophy. Last evaluated: 2023-01-16. Review status: criteria provided, single submitter. Criteria: LabCorp Variant Classification Summary - May 2015. Collection method: clinical testing. Allele origin: germline. Not counted in ClinVar's aggregate classification.
Comment: Variant summary: SGCA c.269A>G (p.Tyr90Cys) results in a non-conservative amino acid change located in the Dystroglycan-type cadherin-like domain (IPR006644) of the encoded protein sequence. Five of five in-silico tools predict a damaging effect of the variant on protein function. The variant allele was found at a frequency of 8e-06 in 249164 control chromosomes (gnomAD). c.269A>G has been reported in the literature in two homozygous individuals from the same family, who were affected with Limb-Girdle Muscular Dystrophy (Moreira_2003). These data indicate that the variant is likely to be associated with disease. At least one publication reports experimental evidence evaluating an impact on protein function, and demonstrated the complete lack of the protein at the cell surface, while the variant protein was visible intracellularly when immunostaining is performed on permeabilized cells (Soheili_2012). No clinical diagnostic laboratories have submitted clinical-significance assessments for this variant to ClinVar after 2014. Based on the evidence outlined above, the variant was classified as likely pathogenic.

Literature cited by the submitters: PubMed 22095924 (cited by 3 submitters); PubMed 12566530 (cited by 3 submitters); PubMed 24742800 (cited by Women's Health and Genetics/Laboratory Corporation of America, LabCorp).

NM_000023.4(SGCA):c.269A>G (p.Tyr90Cys)

Gene: SGCA (sarcoglycan alpha; plus strand). Cytogenetic location: 17q21.33.
Variant type: single nucleotide variant.
Coding change: c.269A>G on transcript NM_000023.4 (MANE Select); coding-DNA position 269, A replaced by G.
Protein change: p.Tyr90Cys; replaces tyrosine 90 with cysteine.
Molecular consequence: missense variant. On other transcripts: non-coding transcript variant (1).
Genome position (GRCh38, 1-based): chr17:50,167,693, A>G. VCF-style: chr17-50167693-A-G. GRCh37 (hg19) VCF-style: chr17-48245054-A-G.
Other names: NM_000023.4(SGCA):c.269A>G; p.Tyr90Cys; c.269A>G, p.Tyr90Cys (NM_001135697.3); short protein forms Y90C.
Identifiers: ClinVar variation 2429327 (VCV002429327.11), dbSNP rs1373671710, ClinGen allele CA400177765.